The following is an entry in ClinVar:

NM_153766.3(KCNJ1):c.939_942del (p.Glu315fs)

Gene: KCNJ1 (potassium inwardly rectifying channel subfamily J member 1; minus strand). Cytogenetic location: 11q24.3.
Variant type: Deletion.
Coding change: c.939_942del on transcript NM_153766.3 (MANE Select); coding-DNA positions 939 to 942, 4 bases deleted (AAAG; older notation c.939_942delAAAG).
Protein change: p.Glu315fs; shifts the reading frame from glutamic acid 315.
Molecular consequence: frameshift variant.
Genome position (GRCh38, 1-based): chr11:128,839,302-128,839,305, CTTT deleted on the plus strand (AAAG on the coding strand, the reverse complement: KCNJ1 is on the minus strand). VCF-style (leftmost placement, unchanged base first): chr11-128839301-CCTTT-C. GRCh37 (hg19) VCF-style: chr11-128709196-CCTTT-C.
Other names: c.996_999del (NM_000220.4); c.939_942delAAAG (NM_153766.3); c.996_999del, p.Glu334fs (NM_000220.6); c.939_942del, p.Glu315fs (NM_153764.3, NM_153767.4); c.990_993del, p.Glu332fs (NM_153765.3); c.996_999delAAAG (NM_000220.4); short protein forms E332fs, E334fs, E315fs.
Identifiers: ClinVar variation 872042 (VCV000872042.50), dbSNP rs780691086, ClinGen allele CA6357414.

ClinVar aggregate classification (germline): Pathogenic. Review status: criteria provided, multiple submitters, no conflicts (2 of 4 stars). 6 submissions from 6 submitters: Pathogenic (6). Last evaluated 2026-02-06.

Conditions:
Bartter disease type 2. Also called: Bartter syndrome, type 2, antenatal; HYPOKALEMIC ALKALOSIS WITH HYPERCALCIURIA 2, ANTENATAL; HYPERPROSTAGLANDIN E SYNDROME 2. Identifiers: Orphanet 112, Orphanet 620220, MedGen C1855849, MONDO:0009424, OMIM 241200.
KCNJ1-related disorders.
KCNJ1-related disorder. Also called: KCNJ1-related condition.

Allele frequency attached by ClinVar (database versions not stated): TOPMed 0.00005; gnomAD exomes 0.00010 and 0.00002; ExAC 0.00012; gnomAD 0.00003.

Submissions (6):

PreventionGenetics, part of Exact Sciences
Classification: Pathogenic for KCNJ1-related condition. Last evaluated: 2026-02-06. Review status: criteria provided, single submitter. Criteria: ACMG Guidelines, 2015. Collection method: clinical testing. Allele origin: germline.
Comment: The KCNJ1 c.996_999delAAAG variant is predicted to result in a frameshift and premature protein termination (p.Glu334Glyfs*35). This variant has been reported in several individuals with Bartter syndrome (reported as Thr313fs, Simon et al. 1996. PubMed ID: 8841184; Brochard et al. 2008. PubMed ID: 19096086; Verma et al. 2020. PubMed ID: 32590952). This variant is present in 0.040% of alleles in individuals of Latino descent in gnomAD. Frameshift variants in KCNJ1 are expected to be pathogenic. This variant is interpreted as pathogenic.

Rare Kidney Stone Consortium and the Mayo Clinic Hyperoxaluria Center, Mayo Clinic
Classification: Pathogenic for Bartter disease type 2. Last evaluated: 2025-10-03. Review status: criteria provided, single submitter. Criteria: ACMG Guidelines, 2015. Collection method: research. Allele origin: germline. Observed: 1 variant allele.
Comment: ACMG:PVS1, PS3, PM2, PM3

GeneDx
Classification: Pathogenic. Last evaluated: 2025-04-10. Review status: criteria provided, single submitter. Criteria: GeneDx Variant Classification Process June 2021. Collection method: clinical testing. Allele origin: germline. Affected: yes.
Comment: Published functional studies demonstrate a damaging effect on protein localization and potassium channel function (PMID: 9580661); Frameshift variant predicted to result in abnormal protein length as the last 58 amino acids are replaced with 34 different amino acids, and other similar variants have been reported in HGMD; This variant is associated with the following publications: (PMID: 32590952, 34345425, 19096086, 8841184, 9580661)

Blueprint Genetics
Classification: Pathogenic for KCNJ1-related disorders. Last evaluated: 2024-10-03. Review status: criteria provided, single submitter. Criteria: ACMG Guidelines, 2015. Collection method: clinical testing. Allele origin: germline. Affected: yes. Observed: 5 variant alleles.

Labcorp Genetics (formerly Invitae), Labcorp
Classification: Pathogenic. Last evaluated: 2024-01-04. Review status: criteria provided, single submitter. Criteria: Invitae Variant Classification Sherloc (09022015). Collection method: clinical testing. Allele origin: germline.
Comment: This sequence change creates a premature translational stop signal (p.Glu334Glyfs*35) in the KCNJ1 gene. While this is not anticipated to result in nonsense mediated decay, it is expected to disrupt the last 58 amino acid(s) of the KCNJ1 protein. This variant is present in population databases (rs780691086, gnomAD 0.04%). This premature translational stop signal has been observed in individuals with Bartter syndrome (PMID: 8841184, 19096086). This variant is also known as T332 frameshift and T313fs. ClinVar contains an entry for this variant (Variation ID: 872042). Algorithms developed to predict the effect of variants on protein structure and function are not available or were not evaluated for this variant. Experimental studies have shown that this premature translational stop signal affects KCNJ1 function (PMID: 9580661). This variant disrupts the C-terminus of the KCNJ1 protein. Other variant(s) that disrupt this region (p.Arg338*) have been observed in individuals with KCNJ1-related conditions (PMID: 9002665, 19096086). This suggests that this may be a clinically significant region of the protein. For these reasons, this variant has been classified as Pathogenic.

CeGaT Center for Human Genetics Tuebingen
Classification: Pathogenic. Last evaluated: 2018-10-01. Review status: criteria provided, single submitter. Criteria: CeGaT Center For Human Genetics Tuebingen Variant Classification Criteria Version 2. Collection method: clinical testing. Allele origin: germline. Affected: yes. Observed: 1 variant allele.

Literature cited by the submitters: PubMed 40794449 (cited by Rare Kidney Stone Consortium and the Mayo Clinic Hyperoxaluria Center, Mayo Clinic); PubMed 8841184 (cited by Labcorp Genetics (formerly Invitae), Labcorp); PubMed 19096086 (cited by Labcorp Genetics (formerly Invitae), Labcorp); PubMed 9580661 (cited by Labcorp Genetics (formerly Invitae), Labcorp); PubMed 9002665 (cited by Labcorp Genetics (formerly Invitae), Labcorp).